The following is an entry in ClinVar:

NM_014055.4(IFT81):c.593C>T (p.Thr198Ile)

Gene: IFT81 (intraflagellar transport 81; plus strand). Cytogenetic location: 12q24.11.
Variant type: single nucleotide variant.
Coding change: c.593C>T on transcript NM_014055.4 (MANE Select); coding-DNA position 593, C replaced by T.
Protein change: p.Thr198Ile; replaces threonine 198 with isoleucine.
Molecular consequence: missense variant. On other transcripts: 5 prime UTR variant (2), non-coding transcript variant (4).
Genome position (GRCh38, 1-based): chr12:110,135,334, C>T. VCF-style: chr12-110135334-C-T. GRCh37 (hg19) VCF-style: chr12-110573139-C-T.
Other names: c.593C>T, p.Thr198Ile (NM_001143779.2, NM_001347946.2, NM_031473.4); c.-174C>T (NM_001347947.2, NM_001347948.2); c.593C>T (NM_014055.3); short protein forms T198I.
Identifiers: ClinVar variation 1348724 (VCV001348724.6), dbSNP rs147215362, ClinGen allele CA6783135.
Genomic context (GRCh38, chr12:110,135,334, plus strand): 5'-ATTTTTTTCTTCAAACCTGACAGTAACATGTACTACTTATTCCCTTACTGTAGGTTGAGA[C>T]AGCTCAGAATCATCAATGGATGCTTAAAATAGCAAGGCAACTTCGAGTTGAAAAAGAGAG-3'
Protein context (NP_054774.2, residues 188-208): RVEHLKKRVE[Thr198Ile]AQNHQWMLKI

ClinVar aggregate classification (germline): Uncertain significance. Review status: criteria provided, multiple submitters, no conflicts (2 of 4 stars). 2 submissions from 2 submitters: Uncertain significance (2). Last evaluated 2024-08-28.

Conditions:
Inborn genetic diseases. Identifiers: MedGen C0950123, MeSH D030342.

Allele frequency attached by ClinVar (database versions not stated): gnomAD exomes 0.00001 and 0.00002; gnomAD 0.00002 and 0.00003; TOPMed 0.00003; ExAC 0.00004; ESP Exome Variant Server 0.00008; 1000 Genomes Project 30x 0.00016; 1000 Genomes Project 0.00020.
gnomAD v4.1: 12 of 1,605,506 alleles (0.00075%); highest among the groups gnomAD compares: African/African-American, 0.012%; no homozygotes.

Submissions (2):

Ambry Genetics
Classification: Uncertain significance for Inborn genetic diseases. Last evaluated: 2024-08-28. Review status: criteria provided, single submitter. Criteria: Ambry Variant Classification Scheme 2023. Collection method: clinical testing. Allele origin: germline.

Labcorp Genetics (formerly Invitae), Labcorp
Classification: Uncertain significance. Last evaluated: 2022-01-12. Review status: criteria provided, single submitter. Criteria: Invitae Variant Classification Sherloc (09022015). Collection method: clinical testing. Allele origin: germline.
Comment: This sequence change replaces threonine, which is neutral and polar, with isoleucine, which is neutral and non-polar, at codon 198 of the IFT81 protein (p.Thr198Ile). This variant is present in population databases (rs147215362, gnomAD 0.01%). This variant has not been reported in the literature in individuals affected with IFT81-related conditions. Algorithms developed to predict the effect of missense changes on protein structure and function are either unavailable or do not agree on the potential impact of this missense change (SIFT: "Deleterious"; PolyPhen-2: "Benign"; Align-GVGD: "Class C15"). In summary, the available evidence is currently insufficient to determine the role of this variant in disease. Therefore, it has been classified as a Variant of Uncertain Significance.